The following is an entry in ClinVar:

NM_000426.4(LAMA2):c.8796del (p.Thr2933fs)

Gene: LAMA2 (laminin subunit alpha 2; plus strand). Cytogenetic location: 6q22.33.
Variant type: Deletion.
Coding change: c.8796del on transcript NM_000426.4 (MANE Select); coding-DNA position 8796, one base deleted (G; older notation c.8796delG).
Protein change: p.Thr2933fs; shifts the reading frame from threonine 2933.
Molecular consequence: frameshift variant.
Genome position (GRCh38, 1-based): chr6:129,507,581, G deleted; the last of 3 consecutive G bases (chr6:129,507,579-129,507,581); deleting any one gives the same sequence. VCF-style (leftmost placement, unchanged base first): chr6-129507578-TG-T. GRCh37 (hg19) VCF-style: chr6-129828723-TG-T.
Other names: c.8784del, p.Thr2929fs (NM_001079823.2); short protein forms T2929fs, T2933fs.
Identifiers: ClinVar variation 5015434 (VCV005015434.1).

ClinVar aggregate classification (germline): Pathogenic (1 of 4 stars; one submission).

Conditions:
LAMA2-related muscular dystrophy (LAMA2-RD). Also called: Laminin alpha 2-related dystrophy. Identifiers: MedGen C5679788, MONDO:0100228.

Submission:

Myriad Genetics, Inc.
Classification: Pathogenic for LAMA2-related muscular dystrophy. Last evaluated: 2026-01-17. Review status: criteria provided, single submitter. Criteria: Myriad Autosomal Dominant, Autosomal Recessive and X-Linked Classification Criteria (2023). Collection method: clinical testing. Allele origin: unknown.
Comment: NM_000426.3(LAMA2):c.8796delG(T2933Hfs*32) is expected to be pathogenic in the context of muscular dystrophy, LAMA2-related. This variant is predicted to lead to an abnormal or absent protein product due to the creation of a premature termination codon in LAMA2, a gene where loss-of-function variants are known to be pathogenic. Please note: this variant was assessed in the context of healthy population screening.